The following is an entry in ClinVar:

ClinVar aggregate classification (germline): Uncertain significance (1 of 4 stars; one submission).

Conditions:
Developmental and epileptic encephalopathy, 12 (DEE12). Identifiers: MedGen C3150988, MONDO:0013389, OMIM 613722.

gnomAD v4.1: 2 of 1,611,550 alleles (0.00012%); highest among the groups gnomAD compares: African/African-American, 0.0027%; no homozygotes.

Submission:

Labcorp Genetics (formerly Invitae), Labcorp
Classification: Uncertain significance for Developmental and epileptic encephalopathy, 12. Last evaluated: 2022-09-07. Review status: criteria provided, single submitter. Criteria: Invitae Variant Classification Sherloc (09022015). Collection method: clinical testing. Allele origin: germline.
Comment: This sequence change replaces cysteine, which is neutral and slightly polar, with arginine, which is basic and polar, at codon 308 of the PNKP protein (p.Cys308Arg). This variant is not present in population databases (gnomAD no frequency). This variant has not been reported in the literature in individuals affected with PNKP-related conditions. ClinVar contains an entry for this variant (Variation ID: 846574). Algorithms developed to predict the effect of missense changes on protein structure and function are either unavailable or do not agree on the potential impact of this missense change (SIFT: "Tolerated"; PolyPhen-2: "Probably Damaging"; Align-GVGD: "Class C0"). In summary, the available evidence is currently insufficient to determine the role of this variant in disease. Therefore, it has been classified as a Variant of Uncertain Significance.

NM_007254.4(PNKP):c.922T>C (p.Cys308Arg)

Gene: PNKP (polynucleotide kinase 3'-phosphatase; minus strand). Cytogenetic location: 19q13.33.
Variant type: single nucleotide variant.
Coding change: c.922T>C on transcript NM_007254.4 (MANE Select); coding-DNA position 922, T replaced by C.
Protein change: p.Cys308Arg; replaces cysteine 308 with arginine.
Molecular consequence: missense variant.
Genome position (GRCh38, 1-based): chr19:49,862,552, A>G on the plus strand (T>C on the coding strand, the complement: PNKP is on the minus strand). VCF-style: chr19-49862552-A-G. GRCh37 (hg19) VCF-style: chr19-50365809-A-G.
Other names: short protein forms C308R.
Identifiers: ClinVar variation 846574 (VCV000846574.7), dbSNP rs2074784418, ClinGen allele CA406881862.
Genomic context (GRCh38, chr19:49,862,552, plus strand): 5'-AGGCCAGGGTCGGGCTCGGGCGCGGGGCAGGGGGCAGGGGCCTCACCAGGCGATCGGCGC[A>G]GGAGAAGTCTTTCTTCTTCCGCCCCGGGGCCCAGTTGGCCGGGCGTCCGGCTGCGTCTGG-3'
Protein context (NP_009185.2, residues 298-318): APGRKKKDFS[Cys308Arg]ADRLFALNLG